The following is an entry in ClinVar:

ClinVar aggregate classification (germline): Pathogenic (1 of 4 stars; one submission).

Conditions:
GLMN-related disorder. Also called: GLMN-related condition.

Submission:

PreventionGenetics, part of Exact Sciences
Classification: Pathogenic for GLMN-related condition. Last evaluated: 2025-04-17. Review status: criteria provided, single submitter. Criteria: ACMG Guidelines, 2015. Collection method: clinical testing. Allele origin: germline.
Comment: The GLMN c.904C>T variant is predicted to result in premature protein termination (p.Gln302*). To our knowledge, this variant has not been reported in the literature or in a large population database (gnomAD), indicating this variant is rare. Nonsense variants in GLMN are expected to be pathogenic. This variant is interpreted as pathogenic.

NM_053274.3(GLMN):c.904C>T (p.Gln302Ter)

Gene: GLMN (glomulin, FKBP associated protein; minus strand). Cytogenetic location: 1p22.1.
Variant type: single nucleotide variant.
Coding change: c.904C>T on transcript NM_053274.3 (MANE Select); coding-DNA position 904, C replaced by T.
Protein change: p.Gln302Ter; replaces glutamine 302 with a stop codon.
Molecular consequence: nonsense. On other transcripts: non-coding transcript variant (1).
Genome position (GRCh38, 1-based): chr1:92,271,484, G>A on the plus strand (C>T on the coding strand, the complement: GLMN is on the minus strand). VCF-style: chr1-92271484-G-A. GRCh37 (hg19) VCF-style: chr1-92737041-G-A.
Other names: c.904C>T, p.Gln302Ter (NM_001319683.2); short protein forms Q302*.
Identifiers: ClinVar variation 5000477 (VCV005000477.1).
Genomic context (GRCh38, chr1:92,271,484, plus strand): 5'-TCCTTTTAGAATACATGAATAAACCAAACACTAACTCTTACCTTAAGACCATTGGAAGCT[G>A]ATCAATATGGATGCCCTGTACAAATACTAGATATGCCAGAGAAGCCATTGAGTCTGCTAA-3'